The following is an entry in ClinVar:

NM_001384140.1(PCDH15):c.3501+6C>T

Gene: PCDH15 (protocadherin related 15; minus strand). Cytogenetic location: 10q21.1.
Variant type: single nucleotide variant.
Coding change: c.3501+6C>T on transcript NM_001384140.1 (MANE Select); 6 bases into the intron after coding-DNA position 3501, C replaced by T.
Molecular consequence: intron variant.
Genome position (GRCh38, 1-based): chr10:53,903,237, G>A on the plus strand (C>T on the coding strand, the complement: PCDH15 is on the minus strand). VCF-style: chr10-53903237-G-A. GRCh37 (hg19) VCF-style: chr10-55662997-G-A.
Other names: c.3501+6C>T (NM_001354420.2, NM_001354429.2, NM_001142772.2 and 4 more transcripts); c.3516+6C>T (NM_001142771.2, NM_001142763.2); c.3522+6C>T (NM_001354411.2); c.3537+6C>T (NM_001142769.3); c.3435+6C>T (NM_001354404.2, NM_001142773.2, NM_001142768.2); c.3390+6C>T (NM_001142767.2); c.3288+6C>T (NM_001142765.2).
Identifiers: ClinVar variation 843523 (VCV000843523.8), dbSNP rs370178425, ClinGen allele CA5505652.

ClinVar aggregate classification (germline): Conflicting classifications of pathogenicity. Review status: criteria provided, conflicting classifications (1 of 4 stars). 4 submissions from 4 submitters: Uncertain significance (1); Likely benign (2). 1 of the submissions does not count toward it. Last evaluated 2022-10-31.

Conditions:
Usher syndrome type 1F (USH1F). Also called: USHER SYNDROME, TYPE IF. Identifiers: Orphanet 231169, Orphanet 886, MedGen C1865885, MONDO:0011186, OMIM 602083.

Allele frequency attached by ClinVar (database versions not stated): ESP Exome Variant Server 0.00008; ExAC 0.00005; gnomAD 0.00006 and 0.00005; TOPMed 0.00009.
gnomAD v4.1: 42 of 1,611,914 alleles (0.0026%); highest among the groups gnomAD compares: African/African-American, 0.019%; no homozygotes.

Submissions (4):

Blueprint Genetics
Classification: Likely benign. Last evaluated: 2022-10-31. Review status: criteria provided, single submitter. Criteria: ACMG Guidelines, 2015. Collection method: clinical testing. Allele origin: germline.

Labcorp Genetics (formerly Invitae), Labcorp
Classification: Uncertain significance. Last evaluated: 2022-09-27. Review status: criteria provided, single submitter. Criteria: Invitae Variant Classification Sherloc (09022015). Collection method: clinical testing. Allele origin: germline.
Comment: This sequence change falls in intron 26 of the PCDH15 gene. It does not directly change the encoded amino acid sequence of the PCDH15 protein. It affects a nucleotide within the consensus splice site. This variant is present in population databases (rs370178425, gnomAD 0.02%). This variant has not been reported in the literature in individuals affected with PCDH15-related conditions. ClinVar contains an entry for this variant (Variation ID: 843523). Variants that disrupt the consensus splice site are a relatively common cause of aberrant splicing (PMID: 17576681, 9536098). Algorithms developed to predict the effect of sequence changes on RNA splicing suggest that this variant is not likely to affect RNA splicing. In summary, the available evidence is currently insufficient to determine the role of this variant in disease. Therefore, it has been classified as a Variant of Uncertain Significance.

GeneDx
Classification: Likely benign. Last evaluated: 2021-04-13. Review status: criteria provided, single submitter. Criteria: GeneDx Variant Classification Process June 2021. Collection method: clinical testing. Allele origin: germline. Affected: yes.

Natera, Inc.
Classification: Uncertain significance for Usher syndrome type 1F. Last evaluated: 2020-01-31. Review status: no assertion criteria provided. Collection method: clinical testing. Allele origin: germline. Not counted in ClinVar's aggregate classification.

Literature cited by the submitters: PubMed 17576681 (cited by Labcorp Genetics (formerly Invitae), Labcorp); PubMed 9536098 (cited by Labcorp Genetics (formerly Invitae), Labcorp).